The following is an entry in ClinVar:

NM_032520.5(GNPTG):c.289C>T (p.Arg97Cys)

Gene: GNPTG (N-acetylglucosamine-1-phosphate transferase subunit gamma; plus strand). Cytogenetic location: 16p13.3.
Variant type: single nucleotide variant.
Coding change: c.289C>T on transcript NM_032520.5 (MANE Select); coding-DNA position 289, C replaced by T.
Protein change: p.Arg97Cys; replaces arginine 97 with cysteine.
Molecular consequence: missense variant.
Genome position (GRCh38, 1-based): chr16:1,361,927, C>T. VCF-style: chr16-1361927-C-T. GRCh37 (hg19) VCF-style: chr16-1411928-C-T.
Other names: short protein forms R97C.
Identifiers: ClinVar variation 836381 (VCV000836381.6), dbSNP rs753385216, ClinGen allele CA7807585.

ClinVar aggregate classification (germline): Uncertain significance. Review status: criteria provided, multiple submitters, no conflicts (2 of 4 stars). 3 submissions from 3 submitters: Uncertain significance (2). 1 of the submissions does not count toward it. Last evaluated 2024-06-06.

Conditions:
GNPTG-mucolipidosis. Also called: Mucolipidosis type III gamma; MUCOLIPIDOSIS III, COMPLEMENTATION GROUP C; MUCOLIPIDOSIS III, IRANIAN VARIANT FORM; MUCOLIPIDOSIS III, VARIANT FORM; ML III GAMMA; ML IIIC. Identifiers: Orphanet 423470, Orphanet 577, MedGen C1854896, MONDO:0009652, OMIM 252605.

Allele frequency attached by ClinVar (database versions not stated): TOPMed 0.00003; gnomAD 0.00005; 1000 Genomes Project 30x 0.00031.
gnomAD v4.1: 53 of 1,613,658 alleles (0.0033%); highest among the groups gnomAD compares: East Asian, 0.0089%; no homozygotes.

Submissions (3):

Blueprint Genetics
Classification: Uncertain significance. Last evaluated: 2024-06-06. Review status: criteria provided, single submitter. Criteria: ACMG Guidelines, 2015. Collection method: clinical testing. Allele origin: germline.

Labcorp Genetics (formerly Invitae), Labcorp
Classification: Uncertain significance. Last evaluated: 2022-08-22. Review status: criteria provided, single submitter. Criteria: Invitae Variant Classification Sherloc (09022015). Collection method: clinical testing. Allele origin: germline.
Comment: This sequence change replaces arginine, which is basic and polar, with cysteine, which is neutral and slightly polar, at codon 97 of the GNPTG protein (p.Arg97Cys). This variant is present in population databases (rs753385216, gnomAD 0.004%). This variant has not been reported in the literature in individuals affected with GNPTG-related conditions. ClinVar contains an entry for this variant (Variation ID: 836381). Algorithms developed to predict the effect of missense changes on protein structure and function are either unavailable or do not agree on the potential impact of this missense change (SIFT: "Deleterious"; PolyPhen-2: "Probably Damaging"; Align-GVGD: "Class C0"). In summary, the available evidence is currently insufficient to determine the role of this variant in disease. Therefore, it has been classified as a Variant of Uncertain Significance.

Natera, Inc.
Classification: Uncertain significance for Mucolipidosis III gamma. Last evaluated: 2020-04-24. Review status: no assertion criteria provided. Collection method: clinical testing. Allele origin: germline. Not counted in ClinVar's aggregate classification.